The following is an entry in ClinVar:

ClinVar aggregate classification (germline): Conflicting classifications of pathogenicity. Review status: criteria provided, conflicting classifications (1 of 4 stars). 3 submissions from 3 submitters: Uncertain significance (2); Likely benign (1). Last evaluated 2023-12-05.

Conditions:
Hereditary cancer-predisposing syndrome. Also called: Neoplastic Syndromes, Hereditary; Hereditary Cancer Syndrome; Tumor predisposition; Hereditary neoplastic syndrome. Identifiers: Orphanet 140162, MedGen C0027672, MeSH D009386, MONDO:0015356.
Hereditary breast ovarian cancer syndrome. Also called: Hereditary breast and ovarian cancer syndrome; Hereditary breast and ovarian cancer syndrome (HBOC); Hereditary breast and/or ovarian cancer syndrome; Hereditary breast and ovarian cancer; Breast and ovarian cancer; BRCA1- and BRCA2-Associated Hereditary Breast and Ovarian Cancer. Identifiers: Orphanet 145, MedGen C0677776, MeSH D061325, MONDO:0003582. Disease mechanism: loss of function.

Submissions (3):

Color Diagnostics, LLC DBA Color Health
Classification: Uncertain significance for Hereditary cancer-predisposing syndrome. Last evaluated: 2023-12-05. Review status: criteria provided, single submitter. Criteria: ACMG Guidelines, 2015. Collection method: clinical testing. Allele origin: germline.
Comment: This missense variant replaces aspartic acid with histidine at codon 420 of the BRCA2 protein. Computational prediction suggests that this variant may not impact protein structure and function (internally defined REVEL score threshold <= 0.5, PMID: 27666373). To our knowledge, functional studies have not been reported for this variant. This variant has not been reported in individuals affected with BRCA2-related disorders in the literature. This variant has not been identified in the general population by the Genome Aggregation Database (gnomAD). The available evidence is insufficient to determine the role of this variant in disease conclusively. Therefore, this variant is classified as a Variant of Uncertain Significance.

University of Washington Department of Laboratory Medicine, University of Washington
Classification: Likely benign for Hereditary cancer-predisposing syndrome. Last evaluated: 2023-03-23. Review status: criteria provided, single submitter. Criteria: Dines et al. (Genet Med. 2020). Collection method: curation. Allele origin: germline.
Comment: Missense variant in a coldspot region where missense variants are very unlikely to be pathogenic (PMID:31911673).

BRCA2 exon 10 coldspot. Reclassification based on statistical prior probability.

Labcorp Genetics (formerly Invitae), Labcorp
Classification: Uncertain significance for Hereditary breast ovarian cancer syndrome. Last evaluated: 2022-11-04. Review status: criteria provided, single submitter. Criteria: Invitae Variant Classification Sherloc (09022015). Collection method: clinical testing. Allele origin: germline.
Comment: In summary, the available evidence is currently insufficient to determine the role of this variant in disease. Therefore, it has been classified as a Variant of Uncertain Significance. Advanced modeling of protein sequence and biophysical properties (such as structural, functional, and spatial information, amino acid conservation, physicochemical variation, residue mobility, and thermodynamic stability) performed at Invitae indicates that this missense variant is not expected to disrupt BRCA2 protein function. ClinVar contains an entry for this variant (Variation ID: 928215). This variant has not been reported in the literature in individuals affected with BRCA2-related conditions. This variant is not present in population databases (gnomAD no frequency). This sequence change replaces aspartic acid, which is acidic and polar, with histidine, which is basic and polar, at codon 420 of the BRCA2 protein (p.Asp420His).

NM_000059.4(BRCA2):c.1258G>C (p.Asp420His)

Gene: BRCA2 (BRCA2 DNA repair associated; plus strand). Cytogenetic location: 13q13.1.
Variant type: single nucleotide variant.
Coding change: c.1258G>C on transcript NM_000059.4 (MANE Select); coding-DNA position 1258, G replaced by C.
Protein change: p.Asp420His; replaces aspartic acid 420 with histidine.
Molecular consequence: missense variant.
Genome position (GRCh38, 1-based): chr13:32,332,736, G>C. VCF-style: chr13-32332736-G-C. GRCh37 (hg19) VCF-style: chr13-32906873-G-C.
Other names: short protein forms D420H.
Identifiers: ClinVar variation 928215 (VCV000928215.9), dbSNP rs2072407813, ClinGen allele CA387762309.